The following is an entry in ClinVar:

NM_000310.4(PPT1):c.319C>T (p.Gln107Ter)

Gene: PPT1 (palmitoyl-protein thioesterase 1; minus strand). Cytogenetic location: 1p34.2.
Variant type: single nucleotide variant.
Coding change: c.319C>T on transcript NM_000310.4 (MANE Select); coding-DNA position 319, C replaced by T.
Protein change: p.Gln107Ter; replaces glutamine 107 with a stop codon.
Molecular consequence: nonsense. On other transcripts: intron variant (1).
Genome position (GRCh38, 1-based): chr1:40,092,088, G>A on the plus strand (C>T on the coding strand, the complement: PPT1 is on the minus strand). VCF-style: chr1-40092088-G-A. GRCh37 (hg19) VCF-style: chr1-40557760-G-A.
Other names: c.319C>T, p.Gln107Ter (NM_001363695.2); c.125-2576C>T (NM_001142604.2); short protein forms Q107*.
Identifiers: ClinVar variation 2702053 (VCV002702053.3), dbSNP rs2523687822, ClinGen allele CA339849068.
Genomic context (GRCh38, chr1:40,092,088, plus strand): 5'-AACAAAAAGGAACGTACAGAAATTGGCCTCCCTGGGAGAATCCCATAGCATTGTAGCCTT[G>A]CTGCAATTTAGGATCCTTAGCAAGTGCCTGACACACTGTTGTTACTTGGGAATTGACATT-3'

ClinVar aggregate classification (germline): Pathogenic (1 of 4 stars; one submission).

Conditions:
Neuronal ceroid lipofuscinosis 1 (CLN1). Also called: PPT1-Related Neuronal Ceroid-Lipofuscinosis; CEROID LIPOFUSCINOSIS, NEURONAL, 1, VARIABLE AGE AT ONSET. Identifiers: Orphanet 228329, MedGen C1850451, MONDO:0009744, OMIM 256730.

Submission:

Labcorp Genetics (formerly Invitae), Labcorp
Classification: Pathogenic for Neuronal ceroid lipofuscinosis 1. Last evaluated: 2023-12-10. Review status: criteria provided, single submitter. Criteria: Invitae Variant Classification Sherloc (09022015). Collection method: clinical testing. Allele origin: germline.
Comment: This sequence change creates a premature translational stop signal (p.Gln107*) in the PPT1 gene. It is expected to result in an absent or disrupted protein product. Loss-of-function variants in PPT1 are known to be pathogenic (PMID: 10679943, 21990111). This variant is not present in population databases (gnomAD no frequency). This variant has not been reported in the literature in individuals affected with PPT1-related conditions. Algorithms developed to predict the effect of sequence changes on RNA splicing suggest that this variant may disrupt the consensus splice site. For these reasons, this variant has been classified as Pathogenic.

Literature cited by the submitters: PubMed 10679943; PubMed 21990111.